The following is an entry in ClinVar:

NM_001844.5(COL2A1):c.1002del (p.Thr335fs)

Gene: COL2A1 (collagen type II alpha 1 chain; minus strand). Cytogenetic location: 12q13.11.
Variant type: Deletion.
Coding change: c.1002del on transcript NM_001844.5 (MANE Select); coding-DNA position 1002, one base deleted (G; older notation c.1002delG).
Protein change: p.Thr335fs; shifts the reading frame from threonine 335.
Molecular consequence: frameshift variant.
Genome position (GRCh38, 1-based): chr12:47,992,899, C deleted on the plus strand (G on the coding strand, the reverse complement: COL2A1 is on the minus strand); the first of 2 consecutive C bases (chr12:47,992,899-47,992,900); deleting either gives the same sequence. VCF-style (leftmost placement, unchanged base first): chr12-47992898-TC-T. GRCh37 (hg19) VCF-style: chr12-48386681-TC-T.
Other names: c.795del, p.Thr266fs (NM_033150.3); short protein forms T335fs, T266fs.
Identifiers: ClinVar variation 3649727 (VCV003649727.2).

ClinVar aggregate classification (germline): Pathogenic (1 of 4 stars; one submission).

Submission:

Labcorp Genetics (formerly Invitae), Labcorp
Classification: Pathogenic. Last evaluated: 2024-04-12. Review status: criteria provided, single submitter. Criteria: Invitae Variant Classification Sherloc (09022015). Collection method: clinical testing. Allele origin: germline.
Comment: This sequence change creates a premature translational stop signal (p.Thr335Leufs*294) in the COL2A1 gene. It is expected to result in an absent or disrupted protein product. Loss-of-function variants in COL2A1 are known to be pathogenic (PMID: 20179744). This variant is not present in population databases (gnomAD no frequency). This variant has not been reported in the literature in individuals affected with COL2A1-related conditions. For these reasons, this variant has been classified as Pathogenic.

Literature cited by the submitters: PubMed 20179744.